The following is an entry in ClinVar:

NM_001267550.2(TTN):c.70163G>A (p.Arg23388Gln)

Genes: TTN (titin; minus strand), TTN-AS1 (TTN antisense RNA 1; plus strand), LOC126806422 (BRD4-independent group 4 enhancer GRCh37_chr2:179440205-179441404; plus strand). Cytogenetic location: 2q31.2.
Variant type: single nucleotide variant.
Coding change: c.70163G>A on transcript NM_001267550.2 (MANE Select); coding-DNA position 70163, G replaced by A.
Protein change: p.Arg23388Gln; replaces arginine 23388 with glutamine.
Molecular consequence: missense variant.
Genome position (GRCh38, 1-based): chr2:178,575,969, C>T on the plus strand (G>A on the coding strand, the complement: TTN is on the minus strand). VCF-style: chr2-178575969-C-T. GRCh37 (hg19) VCF-style: chr2-179440696-C-T.
Other names: p.R21747Q:CGA>CAA; c.65240G>A, p.Arg21747Gln (NM_001256850.1); c.42968G>A, p.Arg14323Gln (NM_003319.4); c.62459G>A, p.Arg20820Gln (NM_133378.4); c.43343G>A, p.Arg14448Gln (NM_133432.3); c.43544G>A, p.Arg14515Gln (NM_133437.4); short protein forms R21747Q, R23388Q, R20820Q, R14448Q, R14515Q, R14323Q.
Identifiers: ClinVar variation 202822 (VCV000202822.38), dbSNP rs55853138, ClinGen allele CA310394.

ClinVar aggregate classification (germline): Conflicting classifications of pathogenicity. Review status: criteria provided, conflicting classifications (1 of 4 stars). 7 submissions from 7 submitters: Uncertain significance (5); Likely benign (2). Last evaluated 2026-06-29.

Conditions:
TTN-related disorder. Also called: TTN-related condition; TTN-related disease; TTN-related disorders.
Autosomal recessive limb-girdle muscular dystrophy type 2J (LGMDR10). Also called: Limb-girdle muscular dystrophy, type 2J; MUSCULAR DYSTROPHY, LIMB-GIRDLE, AUTOSOMAL RECESSIVE 10. Identifiers: Orphanet 140922, MedGen C1837342, MONDO:0012127, OMIM 608807.
Dilated cardiomyopathy 1G (CMD1G). Identifiers: Orphanet 154, MedGen C1858763, MONDO:0011400, OMIM 604145.

Allele frequency attached by ClinVar (database versions not stated): ExAC 0.00004; gnomAD exomes 0.00006; TOPMed 0.00006; gnomAD 0.00007 and 0.00008.
gnomAD v4.1: 102 of 1,611,218 alleles (0.0063%); highest among the groups gnomAD compares: Non-Finnish European, 0.0082%; no homozygotes.

Submissions (7):

PreventionGenetics, part of Exact Sciences
Classification: Uncertain significance for TTN-related condition. Last evaluated: 2026-06-29. Review status: criteria provided, single submitter. Criteria: ACMG Guidelines, 2015. Collection method: clinical testing. Allele origin: germline.
Comment: The TTN c.70163G>A variant is predicted to result in the amino acid substitution p.Arg23388Gln. This variant has been reported in an individual with dilated cardiomyopathy (Supplemental Table 3, Mazzarotto et al. 2020. PubMed ID: 31983221). This variant is reported in 0.012% of alleles in individuals of European (Non-Finnish) descent in gnomAD. At this time, the clinical significance of this variant is uncertain due to the absence of conclusive functional and genetic evidence.

Women's Health and Genetics/Laboratory Corporation of America, LabCorp
Classification: Uncertain significance. Last evaluated: 2026-02-23. Review status: criteria provided, single submitter. Criteria: LabCorp Variant Classification Summary - May 2015. Collection method: clinical testing. Allele origin: germline.
Comment: Variant summary: TTN c.62459G>A (p.Arg20820Gln) results in a conservative amino acid change in the A-band region of the encoded protein sequence. Algorithms developed to predict the effect of missense changes on protein structure and function are either unavailable or do not agree on the potential impact of this missense change. The variant allele was found at a frequency of 5.6e-05 in 248480 control chromosomes (gnomAD). This frequency is not significantly higher than estimated for disease-causing variants in TTN, allowing no conclusion about variant significance. c.62459G>A has been observed in cohorts of individuals affected with cardiomyopathy (Mazzarotto_2020, Grebur_2024). These reports do not provide unequivocal conclusions about association of the variant with Dilated Cardiomyopathy. To our knowledge, no experimental evidence demonstrating an impact on protein function has been reported. The following publications have been ascertained in the context of this evaluation (PMID: 31983221, 39236040). ClinVar contains an entry for this variant (Variation ID: 202822). Based on the evidence outlined above, the variant was classified as uncertain significance.

CeGaT Center for Human Genetics Tuebingen
Classification: Likely benign. Last evaluated: 2023-07-01. Review status: criteria provided, single submitter. Criteria: CeGaT Center For Human Genetics Tuebingen Variant Classification Criteria Version 2. Collection method: clinical testing. Allele origin: germline. Affected: yes. Observed: 1 variant allele.
Comment: TTN: BP4

Revvity Omics, Revvity
Classification: Uncertain significance. Last evaluated: 2020-07-10. Review status: criteria provided, single submitter. Criteria: ACMG Guidelines, 2015. Collection method: clinical testing. Allele origin: germline.

GeneDx
Classification: Likely benign. Last evaluated: 2020-01-21. Review status: criteria provided, single submitter. Criteria: GeneDx Variant Classification Process June 2021. Collection method: clinical testing. Allele origin: germline. Affected: yes.
Comment: This variant is associated with the following publications: (PMID: 31983221)

Labcorp Genetics (formerly Invitae), Labcorp
Classification: Uncertain significance for Dilated cardiomyopathy 1G; Autosomal recessive limb-girdle muscular dystrophy type 2J. Last evaluated: 2016-11-26. Review status: criteria provided, single submitter. Criteria: Invitae Variant Classification Sherloc (09022015). Collection method: clinical testing. Allele origin: germline.

Eurofins Ntd Llc (ga)
Classification: Uncertain significance. Last evaluated: 2016-11-15. Review status: criteria provided, single submitter. Criteria: EGL Classification Definitions 2015. Collection method: clinical testing. Allele origin: germline. Observed: 2 variant alleles, 2 heterozygotes.

Literature cited by the submitters: PubMed 31983221 (cited by Women's Health and Genetics/Laboratory Corporation of America, LabCorp); PubMed 39236040 (cited by Women's Health and Genetics/Laboratory Corporation of America, LabCorp).